The following is an entry in ClinVar:

ClinVar aggregate classification (germline): Likely pathogenic (1 of 4 stars; one submission).

Conditions:
Fanconi anemia complementation group C (FANCC). Also called: Fanconi anemia, group C; FANCONI PANCYTOPENIA, TYPE 3; FACC; FANCC-Related Fanconi Anemia. Identifiers: Orphanet 84, MedGen C3468041, MONDO:0009213, OMIM 227645.

Submission:

Myriad Genetics, Inc.
Classification: Likely pathogenic for Fanconi anemia complementation group C. Last evaluated: 2020-02-02. Review status: criteria provided, single submitter. Criteria: Myriad Women's Health Autosomal Recessive and X-Linked Classification Criteria (2019). Collection method: clinical testing. Allele origin: unknown.
Comment: NM_000136.2(FANCC):c.1084G>T(G362*) is expected to be pathogenic in the context of Fanconi anemia, FANCC-related. This variant is predicted to lead to an abnormal or absent protein product due to the creation of a premature termination codon in FANCC, a gene where loss-of-function variants are known to be pathogenic. Please note: this variant was assessed in the context of healthy population screening.

NM_000136.3(FANCC):c.1084G>T (p.Gly362Ter)

Genes: AOPEP (aminopeptidase O (putative); plus strand), FANCC (FA complementation group C; minus strand). Cytogenetic location: 9q22.32.
Variant type: single nucleotide variant.
Coding change: c.1084G>T on transcript NM_000136.3 (MANE Select); coding-DNA position 1084, G replaced by T.
Protein change: p.Gly362Ter; replaces glycine 362 with a stop codon.
Molecular consequence: nonsense.
Genome position (GRCh38, 1-based): chr9:95,114,699, C>A on the plus strand (G>T on the coding strand, the complement: FANCC is on the minus strand). VCF-style: chr9-95114699-C-A. GRCh37 (hg19) VCF-style: chr9-97876981-C-A.
Other names: c.1084G>T, p.Gly362Ter (NM_001243743.2, NM_001243744.2); short protein forms G362*.
Identifiers: ClinVar variation 984287 (VCV000984287.3), dbSNP rs2072245226, ClinGen allele CA374108056.